The following is an entry in ClinVar:

NM_001040108.2(MLH3):c.237C>G (p.His79Gln)

Gene: MLH3 (mutL homolog 3; minus strand). Cytogenetic location: 14q24.3.
Variant type: single nucleotide variant.
Coding change: c.237C>G on transcript NM_001040108.2 (MANE Select); coding-DNA position 237, C replaced by G.
Protein change: p.His79Gln; replaces histidine 79 with glutamine.
Molecular consequence: missense variant.
Genome position (GRCh38, 1-based): chr14:75,049,419, G>C on the plus strand (C>G on the coding strand, the complement: MLH3 is on the minus strand). VCF-style: chr14-75049419-G-C. GRCh37 (hg19) VCF-style: chr14-75516122-G-C.
Other names: c.237C>G, p.His79Gln (NM_014381.3); short protein forms H79Q.
Identifiers: ClinVar variation 1790412 (VCV001790412.2), dbSNP rs1892513422, ClinGen allele CA390451278.

ClinVar aggregate classification (germline): Uncertain significance (1 of 4 stars; one submission).

Allele frequency attached by ClinVar (database versions not stated): gnomAD exomes below 0.00001; TOPMed below 0.00001.
gnomAD v4.1: 1 of 1,614,046 alleles (0.000062%); highest among the groups gnomAD compares: Non-Finnish European, 0.000085%; no homozygotes.

Submission:

Ambry Genetics
Classification: Uncertain significance. Last evaluated: 2023-12-20. Review status: criteria provided, single submitter. Criteria: Ambry Variant Classification Scheme 2023. Collection method: clinical testing. Allele origin: germline.
Comment: The p.H79Q variant (also known as c.237C>G), located in coding exon 1 of the MLH3 gene, results from a C to G substitution at nucleotide position 237. The histidine at codon 79 is replaced by glutamine, an amino acid with highly similar properties. This amino acid position is conserved. In addition, this alteration is predicted to be tolerated by in silico analysis. Since supporting evidence is limited at this time, the clinical significance of this alteration remains unclear.